The following is an entry in ClinVar:

ClinVar aggregate classification (germline): Conflicting classifications of pathogenicity. Review status: criteria provided, conflicting classifications (1 of 4 stars). 3 submissions from 3 submitters: Uncertain significance (2); Likely benign (1). Last evaluated 2025-06-02.

Conditions:
Inborn genetic diseases. Identifiers: MedGen C0950123, MeSH D030342.

Allele frequency attached by ClinVar (database versions not stated): gnomAD exomes 0.00002; ExAC 0.00007; ESP Exome Variant Server 0.00015; 1000 Genomes Project 30x 0.00016; 1000 Genomes Project 0.00020; gnomAD 0.00020; TOPMed 0.00032.
gnomAD v4.1: 52 of 1,605,772 alleles (0.0032%); highest among the groups gnomAD compares: African/African-American, 0.068%; no homozygotes.

Submissions (3):

Athena Diagnostics
Classification: Likely benign. Last evaluated: 2025-06-02. Review status: criteria provided, single submitter. Criteria: Athena Diagnostics Criteria. Collection method: clinical testing. Allele origin: unknown.
Comment: The frequency of this variant in the general population is higher than would generally be expected for pathogenic variants in this gene.

Labcorp Genetics (formerly Invitae), Labcorp
Classification: Uncertain significance. Last evaluated: 2022-04-23. Review status: criteria provided, single submitter. Criteria: Invitae Variant Classification Sherloc (09022015). Collection method: clinical testing. Allele origin: germline.
Comment: This variant has not been reported in the literature in individuals affected with FGF14-related conditions. This variant is present in population databases (rs374010824, gnomAD 0.07%), and has an allele count higher than expected for a pathogenic variant. This sequence change replaces proline, which is neutral and non-polar, with histidine, which is basic and polar, at codon 66 of the FGF14 protein (p.Pro66His). In summary, the available evidence is currently insufficient to determine the role of this variant in disease. Therefore, it has been classified as a Variant of Uncertain Significance. Algorithms developed to predict the effect of missense changes on protein structure and function are either unavailable or do not agree on the potential impact of this missense change (SIFT: "Deleterious"; PolyPhen-2: "Probably Damaging"; Align-GVGD: "Class C0").

Ambry Genetics
Classification: Uncertain significance for Inborn genetic diseases. Last evaluated: 2021-06-22. Review status: criteria provided, single submitter. Criteria: Ambry Variant Classification Scheme 2023. Collection method: clinical testing. Allele origin: germline.

Literature cited by the submitters: PubMed 39730912 (cited by Athena Diagnostics).

NM_004115.4(FGF14):c.197C>A (p.Pro66His)

Gene: FGF14 (fibroblast growth factor 14; minus strand). Cytogenetic location: 13q33.1.
Variant type: single nucleotide variant.
Coding change: c.197C>A on transcript NM_004115.4 (MANE Select); coding-DNA position 197, C replaced by A.
Protein change: p.Pro66His; replaces proline 66 with histidine.
Molecular consequence: missense variant. On other transcripts: 5 prime UTR variant (7), intron variant (1).
Genome position (GRCh38, 1-based): chr13:101,875,293, G>T on the plus strand (C>A on the coding strand, the complement: FGF14 is on the minus strand). VCF-style: chr13-101875293-G-T. GRCh37 (hg19) VCF-style: chr13-102527643-G-T.
Other names: c.197C>A (NM_004115.3); c.-56C>A (NM_001321931.1, NM_001321934.1, NM_001321935.1 and 4 more transcripts); c.8C>A, p.Pro3His (NM_001321932.1, NM_001321936.1, NM_001321944.1); c.17C>A, p.Pro6His (NM_001321933.1, NM_001321938.2, NM_001321940.1); c.212C>A, p.Pro71His (NM_001321937.2, NM_175929.3); c.11C>A, p.Pro4His (NM_001321941.2); c.95C>A, p.Pro32His (NM_001321945.2, NM_001321948.2, NM_001379342.1); c.56C>A, p.Pro19His (NM_001321947.2); and 2 more; short protein forms P3H, P6H, P32H, P19H, P4H, P66H, P71H.
Identifiers: ClinVar variation 2139035 (VCV002139035.6), dbSNP rs374010824, ClinGen allele CA7037219.